The following is an entry in ClinVar:

NM_001127222.2(CACNA1A):c.540-1G>C

Gene: CACNA1A (calcium voltage-gated channel subunit alpha1 A; minus strand). Cytogenetic location: 19p13.13.
Variant type: single nucleotide variant.
Coding change: c.540-1G>C on transcript NM_001127222.2 (MANE Select); the canonical splice acceptor site of the intron before coding-DNA position 540, G replaced by C.
Molecular consequence: splice acceptor variant.
Genome position (GRCh38, 1-based): chr19:13,371,780, C>G on the plus strand (G>C on the coding strand, the complement: CACNA1A is on the minus strand). VCF-style: chr19-13371780-C-G. GRCh37 (hg19) VCF-style: chr19-13482594-C-G.
Other names: c.540-1G>C (NM_001127221.2, NM_001174080.2, NM_000068.4 and 1 more transcripts).
Identifiers: ClinVar variation 1068084 (VCV001068084.7), dbSNP rs2144559526, ClinGen allele CA404351408.

ClinVar aggregate classification (germline): Likely pathogenic (1 of 4 stars; one submission).

Conditions:
Developmental and epileptic encephalopathy, 42 (DEE42A). Also called: DEVELOPMENTAL AND EPILEPTIC ENCEPHALOPATHY 42A; EPILEPTIC ENCEPHALOPATHY, EARLY INFANTILE, 42A; Epileptic encephalopathy, early infantile, 42. Identifiers: MedGen C4310716, MONDO:0014917, OMIM 617106.
Episodic ataxia type 2 (EA2). Also called: EPISODIC ATAXIA, NYSTAGMUS-ASSOCIATED; ACETAZOLAMIDE-RESPONSIVE HEREDITARY PAROXYSMAL CEREBELLAR ATAXIA; ATAXIA, EPISODIC, WITH NYSTAGMUS; ATAXIA, FAMILIAL PAROXYSMAL; CEREBELLAR ATAXIA, PAROXYSMAL, ACETAZOLAMIDE-RESPONSIVE; CEREBELLOPATHY, HEREDITARY PAROXYSMAL. Identifiers: Orphanet 97, MedGen C1720416, MONDO:0007163, OMIM 108500.

Submission:

Labcorp Genetics (formerly Invitae), Labcorp
Classification: Likely pathogenic for Developmental and epileptic encephalopathy, 42; Episodic ataxia type 2. Last evaluated: 2020-10-08. Review status: criteria provided, single submitter. Criteria: Invitae Variant Classification Sherloc (09022015). Collection method: clinical testing. Allele origin: germline.
Comment: This variant has not been reported in the literature in individuals with CACNA1A-related conditions. This variant is not present in population databases (ExAC no frequency). This sequence change affects an acceptor splice site in intron 3 of the CACNA1A gene. It is expected to disrupt RNA splicing and likely results in an absent or disrupted protein product. Donor and acceptor splice site variants typically lead to a loss of protein function (PMID: 16199547), and loss-of-function variants in CACNA1A are known to be pathogenic (PMID: 10371528, 19486177, 25735478, 27250579). In summary, the currently available evidence indicates that the variant is pathogenic, but additional data are needed to prove that conclusively. Therefore, this variant has been classified as Likely Pathogenic.

Literature cited by the submitters: PubMed 16199547; PubMed 10371528; PubMed 19486177; PubMed 25735478; PubMed 27250579.